The following is an entry in ClinVar:

NM_001130987.2(DYSF):c.3756+202T>C

Gene: DYSF (dysferlin; plus strand). Cytogenetic location: 2p13.2.
Variant type: single nucleotide variant.
Coding change: c.3756+202T>C on transcript NM_001130987.2 (MANE Select); 202 bases into the intron after coding-DNA position 3756, T replaced by C.
Molecular consequence: intron variant.
Genome position (GRCh38, 1-based): chr2:71,598,947, T>C. VCF-style: chr2-71598947-T-C. GRCh37 (hg19) VCF-style: chr2-71826077-T-C.
Other names: c.3795+202T>C (NM_001130979.2); c.3753+202T>C (NM_001130981.2, NM_001130980.2); c.3702+202T>C (NM_001130978.2, NM_003494.4); c.3660+202T>C (NM_001130977.2, NM_001130976.2); c.3798+202T>C (NM_001130982.2); c.3756+202T>C (NM_001130985.2); c.3705+202T>C (NM_001130983.2, NM_001130455.2); c.3663+202T>C (NM_001130984.2, NM_001130986.2).
Identifiers: ClinVar variation 679991 (VCV000679991.1), dbSNP rs934062, ClinGen allele CA16101846.

ClinVar aggregate classification (germline): Benign (1 of 4 stars; one submission).

Allele frequency attached by ClinVar (database versions not stated): gnomAD 0.23509 and 0.24323; TOPMed 0.23560; 1000 Genomes Project 30x 0.25250; 1000 Genomes Project 0.25839.
gnomAD v4.1: 37,156 of 152,228 alleles (24%); highest among the groups gnomAD compares: South Asian, 39%; 5,593 homozygotes.

Submission:

GeneDx
Classification: Benign. Last evaluated: 2018-06-19. Review status: criteria provided, single submitter. Criteria: GeneDx Variant Classification (06012015). Collection method: clinical testing. Allele origin: germline. Affected: yes.
Comment: This variant is considered likely benign or benign based on one or more of the following criteria: it is a conservative change, it occurs at a poorly conserved position in the protein, it is predicted to be benign by multiple in silico algorithms, and/or has population frequency not consistent with disease.